The following is an entry in ClinVar:

ClinVar aggregate classification (germline): Conflicting classifications of pathogenicity. Review status: criteria provided, conflicting classifications (1 of 4 stars). 10 submissions from 9 submitters: Uncertain significance (1); Benign (3); Likely benign (6). Last evaluated 2026-08-01.

Conditions:
Familial hypobetalipoproteinemia 1. Also called: APOB-Related Familial Hypobetalipoproteinemia; Hypobetalipoproteinemia, normotriglyceridemic; Acanthocytosis with hypobetalipoproteinemia. Identifiers: MedGen C4551990, MONDO:0014252, OMIM 615558.
Hypercholesterolemia, autosomal dominant, type B (FHCL2). Also called: Hyperlipoproteinemia Type IIb; Familial hypercholesterolemia 2; APOB-Related Familial Hypercholesterolemia, Autosomal Dominant; HYPERCHOLESTEROLEMIA, FAMILIAL, DUE TO LIGAND-DEFECTIVE APOLIPOPROTEIN B; Familial Hypercholesterolemia Type B; APOLIPOPROTEIN B-100, FAMILIAL DEFECTIVE. Identifiers: MedGen C1704417, MONDO:0007751, OMIM 144010.
Cardiovascular phenotype. Identifiers: MedGen CN230736.
Familial hypercholesterolemia. Also called: Familial hypercholesterolemias; Familial hypercholesterolaemia. Identifiers: MedGen C0020445, MONDO:0005439.
Hypercholesterolemia, familial, 1. Also called: LDL RECEPTOR DISORDER; Hyperlipoproteinemia Type IIa; HYPER-LOW-DENSITY-LIPOPROTEINEMIA; HYPERCHOLESTEROLEMIC XANTHOMATOSIS, FAMILIAL; Fredrickson type IIa hyperlipoproteinemia; Hyperlipoproteinemia type 2. Identifiers: Orphanet 391665, MedGen C0745103, MONDO:0007750, OMIM 143890.

Allele frequency attached by ClinVar (database versions not stated): gnomAD exomes 0.00033 and 0.00086; ExAC 0.00115; ESP Exome Variant Server 0.00300; gnomAD 0.00371 and 0.00396; TOPMed 0.00410; 1000 Genomes Project 0.00419; 1000 Genomes Project 30x 0.00484.
gnomAD v4.1: 1,055 of 1,614,200 alleles (0.065%); highest among the groups gnomAD compares: African/African-American, 1.2%; 4 homozygotes.

Submissions (10):

CeGaT Center for Human Genetics Tuebingen
Classification: Likely benign. Last evaluated: 2026-08-01. Review status: criteria provided, single submitter. Criteria: CeGaT Center For Human Genetics Tuebingen Variant Classification Criteria Version 2. Collection method: clinical testing. Allele origin: germline. Affected: yes. Observed: 2 variant alleles.
Comment: APOB: BP4, BS1

Labcorp Genetics (formerly Invitae), Labcorp
Classification: Benign for Familial hypobetalipoproteinemia 1; Hypercholesterolemia, autosomal dominant, type B. Last evaluated: 2026-01-25. Review status: criteria provided, single submitter. Criteria: Invitae Variant Classification Sherloc (09022015). Collection method: clinical testing. Allele origin: germline.

ARUP Laboratories, Molecular Genetics and Genomics, ARUP Laboratories
Classification: Likely benign. Last evaluated: 2025-05-19. Review status: criteria provided, single submitter. Criteria: ARUP Molecular Germline Variant Investigation Process 2024. Collection method: clinical testing. Allele origin: germline.

GENinCode PLC
Classification: Benign for Familial hypercholesterolemia. Last evaluated: 2022-06-23. Review status: criteria provided, single submitter. Criteria: ACMG Guidelines, 2015. Collection method: clinical testing. Allele origin: germline.

GeneDx
Classification: Likely benign. Last evaluated: 2021-01-04. Review status: criteria provided, single submitter. Criteria: GeneDx Variant Classification Process June 2021. Collection method: clinical testing. Allele origin: germline. Affected: yes.

Molecular Diagnostic Laboratory for Inherited Cardiovascular Disease, Montreal Heart Institute
Classification: Likely benign. Last evaluated: 2019-10-28. Review status: criteria provided, single submitter. Criteria: ACMG Guidelines, 2015. Collection method: clinical testing. Allele origin: germline. Affected: yes.

Illumina Laboratory Services, Illumina
Classification: Likely benign for Hypercholesterolemia, autosomal dominant, type B. Last evaluated: 2018-01-12. Review status: criteria provided, single submitter. Criteria: ICSL Variant Classification Criteria 13 December 2019. Collection method: clinical testing. Allele origin: germline.
Comment: This variant was observed in the ICSL laboratory as part of a predisposition screen in an ostensibly healthy population. It had not been previously curated by ICSL or reported in the Human Gene Mutation Database (HGMD: prior to June 1st, 2018), and was therefore a candidate for classification through an automated scoring system. Utilizing variant allele frequency, disease prevalence and penetrance estimates, and inheritance mode, an automated score was calculated to assess if this variant is too frequent to cause the disease. Based on the score and internal cut-off values, a variant classified as likely benign is not then subjected to further curation. The score for this variant resulted in a classification of likely benign for this disease.

Illumina Laboratory Services, Illumina
Classification: Uncertain significance for Familial hypobetalipoproteinemia 1. Last evaluated: 2018-01-12. Review status: criteria provided, single submitter. Criteria: ICSL Variant Classification Criteria 13 December 2019. Collection method: clinical testing. Allele origin: germline.

Robarts Research Institute, Western University
Classification: Likely benign for Hypercholesterolemia, familial, 1. Last evaluated: 2018-01-02. Review status: criteria provided, single submitter. Criteria: ACMG Guidelines, 2015. Collection method: clinical testing. Allele origin: germline. Inheritance: Autosomal dominant inheritance. Affected: yes.

Ambry Genetics
Classification: Benign for Cardiovascular phenotype. Last evaluated: 2017-03-14. Review status: criteria provided, single submitter. Criteria: Ambry Variant Classification Scheme 2023. Collection method: clinical testing. Allele origin: germline.

NM_000384.3(APOB):c.607A>G (p.Ile203Val)

Gene: APOB (apolipoprotein B; minus strand). Cytogenetic location: 2p24.1.
Variant type: single nucleotide variant.
Coding change: c.607A>G on transcript NM_000384.3 (MANE Select); coding-DNA position 607, A replaced by G.
Protein change: p.Ile203Val; replaces isoleucine 203 with valine.
Molecular consequence: missense variant.
Genome position (GRCh38, 1-based): chr2:21,037,186, T>C on the plus strand (A>G on the coding strand, the complement: APOB is on the minus strand). VCF-style: chr2-21037186-T-C. GRCh37 (hg19) VCF-style: chr2-21260058-T-C.
Other names: short protein forms I203V.
Identifiers: ClinVar variation 334179 (VCV000334179.33), dbSNP rs72653059, ClinGen allele CA062843.